The following is an entry in ClinVar:

NM_001170700.3(DTHD1):c.1009G>C (p.Gly337Arg)

Gene: DTHD1 (death domain containing 1; plus strand). Cytogenetic location: 4p14.
Variant type: single nucleotide variant.
Coding change: c.1009G>C on transcript NM_001170700.3 (MANE Select); coding-DNA position 1009, G replaced by C.
Protein change: p.Gly337Arg; replaces glycine 337 with arginine.
Molecular consequence: missense variant. On other transcripts: non-coding transcript variant (2).
Genome position (GRCh38, 1-based): chr4:36,290,494, G>C. VCF-style: chr4-36290494-G-C. GRCh37 (hg19) VCF-style: chr4-36292116-G-C.
Other names: c.139G>C, p.Gly47Arg (NM_001136536.5, NM_001378435.1); short protein forms G337R, G47R.
Identifiers: ClinVar variation 3609149 (VCV003609149.2).

ClinVar aggregate classification (germline): Uncertain significance (1 of 4 stars; one submission).

gnomAD v4.1: 2 of 1,551,580 alleles (0.00013%); highest among the groups gnomAD compares: Non-Finnish European, 0.00017%; no homozygotes.

Submission:

Labcorp Genetics (formerly Invitae), Labcorp
Classification: Uncertain significance. Last evaluated: 2024-11-19. Review status: criteria provided, single submitter. Criteria: Invitae Variant Classification Sherloc (09022015). Collection method: clinical testing. Allele origin: germline.
Comment: This sequence change replaces glycine, which is neutral and non-polar, with arginine, which is basic and polar, at codon 47 of the DTHD1 protein (p.Gly47Arg). This variant is not present in population databases (gnomAD no frequency). This variant has not been reported in the literature in individuals affected with DTHD1-related conditions. An algorithm developed to predict the effect of missense changes on protein structure and function (PolyPhen-2) suggests that this variant is likely to be tolerated. In summary, the available evidence is currently insufficient to determine the role of this variant in disease. Therefore, it has been classified as a Variant of Uncertain Significance.